The following is an entry in ClinVar:

ClinVar aggregate classification (germline): Uncertain significance (1 of 4 stars; one submission).

Submission:

Labcorp Genetics (formerly Invitae), Labcorp
Classification: Uncertain significance. Last evaluated: 2022-01-11. Review status: criteria provided, single submitter. Criteria: Invitae Variant Classification Sherloc (09022015). Collection method: clinical testing. Allele origin: germline.
Comment: In summary, the available evidence is currently insufficient to determine the role of this variant in disease. Therefore, it has been classified as a Variant of Uncertain Significance. Algorithms developed to predict the effect of missense changes on protein structure and function (SIFT, PolyPhen-2, Align-GVGD) all suggest that this variant is likely to be tolerated. This variant has not been reported in the literature in individuals affected with LIG1-related conditions. This variant is not present in population databases (gnomAD no frequency). This sequence change replaces threonine, which is neutral and polar, with isoleucine, which is neutral and non-polar, at codon 165 of the LIG1 protein (p.Thr165Ile).

NM_000234.3(LIG1):c.494C>T (p.Thr165Ile)

Gene: LIG1 (DNA ligase 1; minus strand). Cytogenetic location: 19q13.33.
Variant type: single nucleotide variant.
Coding change: c.494C>T on transcript NM_000234.3 (MANE Select); coding-DNA position 494, C replaced by T.
Protein change: p.Thr165Ile; replaces threonine 165 with isoleucine.
Molecular consequence: missense variant. On other transcripts: non-coding transcript variant (6), intron variant (1).
Genome position (GRCh38, 1-based): chr19:48,151,312, G>A on the plus strand (C>T on the coding strand, the complement: LIG1 is on the minus strand). VCF-style: chr19-48151312-G-A. GRCh37 (hg19) VCF-style: chr19-48654569-G-A.
Other names: c.401C>T, p.Thr134Ile (NM_001289063.2); c.491C>T, p.Thr164Ile (NM_001320970.2); c.404C>T, p.Thr135Ile (NM_001320971.2); c.371-1102C>T (NM_001289064.2); short protein forms T164I, T134I, T165I, T135I.
Identifiers: ClinVar variation 2067319 (VCV002067319.4), dbSNP rs2514251520, ClinGen allele CA406656233.